The following is an entry in ClinVar:

ClinVar aggregate classification (germline): Uncertain significance (1 of 4 stars; one submission).

Conditions:
Familial thoracic aortic aneurysm and aortic dissection (TAAD). Also called: Thoracic aortic aneurysms and dissections. Identifiers: Orphanet 91387, MedGen C4707243, MONDO:0019625.

Submission:

Labcorp Genetics (formerly Invitae), Labcorp
Classification: Uncertain significance for Familial thoracic aortic aneurysm and aortic dissection. Last evaluated: 2020-12-25. Review status: criteria provided, single submitter. Criteria: Invitae Variant Classification Sherloc (09022015). Collection method: clinical testing. Allele origin: germline.
Comment: In summary, the available evidence is currently insufficient to determine the role of this variant in disease. Therefore, it has been classified as a Variant of Uncertain Significance. Advanced modeling of protein sequence and biophysical properties (such as structural, functional, and spatial information, amino acid conservation, physicochemical variation, residue mobility, and thermodynamic stability) performed at Invitae indicates that this missense variant is expected to disrupt TGFBR1 protein function. This variant has not been reported in the literature in individuals with TGFBR1-related conditions. This variant is not present in population databases (ExAC no frequency). This sequence change replaces threonine with proline at codon 272 of the TGFBR1 protein (p.Thr272Pro). The threonine residue is highly conserved and there is a small physicochemical difference between threonine and proline.

NM_004612.4(TGFBR1):c.814A>C (p.Thr272Pro)

Gene: TGFBR1 (transforming growth factor beta receptor 1; plus strand). Cytogenetic location: 9q22.33.
Variant type: single nucleotide variant.
Coding change: c.814A>C on transcript NM_004612.4 (MANE Select); coding-DNA position 814, A replaced by C.
Protein change: p.Thr272Pro; replaces threonine 272 with proline.
Molecular consequence: missense variant.
Genome position (GRCh38, 1-based): chr9:99,142,544, A>C. VCF-style: chr9-99142544-A-C. GRCh37 (hg19) VCF-style: chr9-101904826-A-C.
Other names: c.583A>C, p.Thr195Pro (NM_001130916.3); c.826A>C, p.Thr276Pro (NM_001306210.2); short protein forms T272P, T195P, T276P.
Identifiers: ClinVar variation 1360061 (VCV001360061.8), dbSNP rs2118776532, ClinGen allele CA374230501.